The following is an entry in ClinVar:

ClinVar aggregate classification (germline): Pathogenic (1 of 4 stars; one submission).

Conditions:
Familial thoracic aortic aneurysm and aortic dissection (TAAD). Also called: Thoracic aortic aneurysms and dissections. Identifiers: Orphanet 91387, MedGen C4707243, MONDO:0019625.

Submission:

Ambry Genetics
Classification: Pathogenic for Familial thoracic aortic aneurysm and aortic dissection. Last evaluated: 2020-11-03. Review status: criteria provided, single submitter. Criteria: Ambry Variant Classification Scheme 2023. Collection method: clinical testing. Allele origin: germline.
Comment: The p.Y1996* pathogenic mutation (also known as c.5988C>A), located in coding exon 48 of the FBN1 gene, results from a C to A substitution at nucleotide position 5988. This changes the amino acid from a tyrosine to a stop codon within coding exon 48. This alteration is expected to result in loss of function by premature protein truncation or nonsense-mediated mRNA decay. As such, this alteration is interpreted as a disease-causing mutation.

NM_000138.5(FBN1):c.5988C>A (p.Tyr1996Ter)

Gene: FBN1 (fibrillin 1; minus strand). Cytogenetic location: 15q21.1.
Variant type: single nucleotide variant.
Coding change: c.5988C>A on transcript NM_000138.5 (MANE Select); coding-DNA position 5988, C replaced by A.
Protein change: p.Tyr1996Ter; replaces tyrosine 1996 with a stop codon.
Molecular consequence: nonsense.
Genome position (GRCh38, 1-based): chr15:48,444,590, G>T on the plus strand (C>A on the coding strand, the complement: FBN1 is on the minus strand). VCF-style: chr15-48444590-G-T. GRCh37 (hg19) VCF-style: chr15-48736787-G-T.
Other names: c.5988C>A, p.Tyr1996Ter (NM_001406716.1); short protein forms Y1996*.
Identifiers: ClinVar variation 1750868 (VCV001750868.2), dbSNP rs2505451954, ClinGen allele CA392339730.
Genomic context (GRCh38, chr15:48,444,590, plus strand): 5'-AGCTTTCCTACCTTCACACTTCTCATTTTGAAGACTGTATCCAGGTGGGCAAATGCATCT[G>T]TAGGACCCATCCAAGTTTTGACAGGTACCTGGTGCACATTTTCTGGGTTCTAGAAGACAT-3'